The following is an entry in ClinVar:

ClinVar aggregate classification (germline): Likely benign. Review status: criteria provided, multiple submitters, no conflicts (2 of 4 stars). 3 submissions from 3 submitters: Likely benign (2). 1 of the submissions does not count toward it. Last evaluated 2023-10-10.

Conditions:
DPF2-related disorder. Also called: DPF2-related condition.

Allele frequency attached by ClinVar (database versions not stated): gnomAD 0.00002; TOPMed 0.00002; ESP Exome Variant Server 0.00008.

Submissions (3):

Labcorp Genetics (formerly Invitae), Labcorp
Classification: Likely benign. Last evaluated: 2023-10-10. Review status: criteria provided, single submitter. Criteria: Invitae Variant Classification Sherloc (09022015). Collection method: clinical testing. Allele origin: germline.

Blueprint Genetics
Classification: Likely benign. Last evaluated: 2022-06-29. Review status: criteria provided, single submitter. Criteria: ACMG Guidelines, 2015. Collection method: clinical testing. Allele origin: germline.

PreventionGenetics, part of Exact Sciences
Classification: Likely benign for DPF2-related condition. Last evaluated: 2019-07-23. Review status: no assertion criteria provided. Collection method: clinical testing. Allele origin: germline. Not counted in ClinVar's aggregate classification.
Comment: This variant is classified as likely benign based on ACMG/AMP sequence variant interpretation guidelines (Richards et al. 2015 PMID: 25741868, with internal and published modifications).

NM_006268.5(DPF2):c.306A>G (p.Thr102=)

Gene: DPF2 (double PHD fingers 2; plus strand). Cytogenetic location: 11q13.1.
Variant type: single nucleotide variant.
Coding change: c.306A>G on transcript NM_006268.5 (MANE Select); coding-DNA position 306, A replaced by G.
Protein change: p.Thr102=; no amino-acid change (threonine 102 retained).
Molecular consequence: synonymous variant.
Genome position (GRCh38, 1-based): chr11:65,341,403, A>G. VCF-style: chr11-65341403-A-G. GRCh37 (hg19) VCF-style: chr11-65108874-A-G.
Other names: c.306A>G (NM_001330308.1); c.306A>G, p.Thr102= (NM_001330308.2).
Identifiers: ClinVar variation 2715145 (VCV002715145.6), dbSNP rs370514099, ClinGen allele CA6095243.
Genomic context (GRCh38, chr11:65,341,403, plus strand): 5'-AGAGCAGTCTGCTTTCAGCCCTTTTGAGCCTTGCTTTATCCTGACCTTGCTTGCAGACAC[A>G]GACCAGACCCTGAAGAAGGAGGGGCTGATCTCTCAGGATGGCAGTAGTTTAGAGGCTCTG-3'
Protein context (NP_006259.1, residues 92-112): RLSFPSIKPD[Thr102=]DQTLKKEGLI